The following is an entry in ClinVar:

NM_007294.4(BRCA1):c.2292A>G (p.Val764=)

Gene: BRCA1 (BRCA1 DNA repair associated; minus strand). Cytogenetic location: 17q21.31.
Variant type: single nucleotide variant.
Coding change: c.2292A>G on transcript NM_007294.4 (MANE Select); coding-DNA position 2292, A replaced by G.
Protein change: p.Val764=; no amino-acid change (valine 764 retained).
Molecular consequence: synonymous variant. On other transcripts: intron variant (137).
Genome position (GRCh38, 1-based): chr17:43,093,239, T>C on the plus strand (A>G on the coding strand, the complement: BRCA1 is on the minus strand). VCF-style: chr17-43093239-T-C. GRCh37 (hg19) VCF-style: chr17-41245256-T-C.
Other names: c.2292A>G, p.Val764= (NM_001407625.1, NM_001407626.1, NM_001407639.1 and 30 more transcripts); c.2289A>G, p.Val763= (NM_001407627.1, NM_001407628.1, NM_001407629.1 and 22 more transcripts); c.2283A>G, p.Val761= (NM_001407646.1, NM_001407647.1); c.2169A>G, p.Val723= (NM_001407648.1, NM_001407664.1, NM_001407665.1 and 19 more transcripts); c.2166A>G, p.Val722= (NM_001407649.1, NM_001407670.1, NM_001407671.1 and 11 more transcripts); c.2214A>G, p.Val738= (NM_001407653.1, NM_001407654.1, NM_001407655.1 and 4 more transcripts); c.2211A>G, p.Val737= (NM_001407659.1, NM_001407660.1, NM_001407661.1 and 1 more transcripts); c.2151A>G, p.Val717= (NM_001407692.1, NM_001407694.1, NM_001407695.1 and 29 more transcripts); and 41 more.
Identifiers: ClinVar variation 479254 (VCV000479254.17), dbSNP rs1555589969, ClinGen allele CA500233187.

ClinVar aggregate classification (germline): Likely benign. Review status: criteria provided, multiple submitters, no conflicts (2 of 4 stars). 5 submissions from 5 submitters: Likely benign (5). Last evaluated 2026-02-02.

Conditions:
Hereditary breast ovarian cancer syndrome. Also called: Hereditary breast and ovarian cancer syndrome (HBOC); Hereditary breast and ovarian cancer syndrome; Breast and ovarian cancer; BRCA1- and BRCA2-Associated Hereditary Breast and Ovarian Cancer; Hereditary breast and ovarian cancer; Hereditary breast and/or ovarian cancer syndrome. Identifiers: Orphanet 145, MedGen C0677776, MeSH D061325, MONDO:0003582. Disease mechanism: loss of function.
Hereditary cancer-predisposing syndrome. Also called: Neoplastic Syndromes, Hereditary; Hereditary Cancer Syndrome; Hereditary neoplastic syndrome; Tumor predisposition. Identifiers: Orphanet 140162, MedGen C0027672, MeSH D009386, MONDO:0015356.

gnomAD v4.1: 1 of 1,614,122 alleles (0.000062%); no homozygotes.

Submissions (5):

Labcorp Genetics (formerly Invitae), Labcorp
Classification: Likely benign for Hereditary breast ovarian cancer syndrome. Last evaluated: 2026-02-02. Review status: criteria provided, single submitter. Criteria: Invitae Variant Classification Sherloc (09022015). Collection method: clinical testing. Allele origin: germline.

Women's Health and Genetics/Laboratory Corporation of America, LabCorp
Classification: Likely benign. Last evaluated: 2024-09-08. Review status: criteria provided, single submitter. Criteria: LabCorp Variant Classification Summary - May 2015. Collection method: clinical testing. Allele origin: germline.

GeneDx
Classification: Likely benign. Last evaluated: 2017-08-07. Review status: criteria provided, single submitter. Criteria: GeneDx Variant Classification (06012015). Collection method: clinical testing. Allele origin: germline. Affected: yes.
Comment: This variant is considered likely benign or benign based on one or more of the following criteria: it is a conservative change, it occurs at a poorly conserved position in the protein, it is predicted to be benign by multiple in silico algorithms, and/or has population frequency not consistent with disease.

Ambry Genetics
Classification: Likely benign for Hereditary cancer-predisposing syndrome. Last evaluated: 2017-03-23. Review status: criteria provided, single submitter. Criteria: Ambry Variant Classification Scheme 2023. Collection method: clinical testing. Allele origin: germline.

Color Diagnostics, LLC DBA Color Health
Classification: Likely benign for Hereditary cancer-predisposing syndrome. Last evaluated: 2016-08-29. Review status: criteria provided, single submitter. Criteria: ACMG Guidelines, 2015. Collection method: clinical testing. Allele origin: germline.